The following is an entry in ClinVar:

NM_002905.5(RDH5):c.490G>A (p.Val164Ile)

Genes: BLOC1S1-RDH5 (BLOC1S1-RDH5 readthrough; plus strand), RDH5 (retinol dehydrogenase 5; plus strand). Cytogenetic location: 12q13.2.
Variant type: single nucleotide variant.
Coding change: c.490G>A on transcript NM_002905.5 (MANE Select); coding-DNA position 490, G replaced by A.
Protein change: p.Val164Ile; replaces valine 164 with isoleucine.
Molecular consequence: missense variant. On other transcripts: non-coding transcript variant (1).
Genome position (GRCh38, 1-based): chr12:55,721,868, G>A. VCF-style: chr12-55721868-G-A. GRCh37 (hg19) VCF-style: chr12-56115652-G-A.
Other names: c.490G>A, p.Val164Ile (NM_001199771.3); short protein forms V164I.
Identifiers: ClinVar variation 1967405 (VCV001967405.5), dbSNP rs755168439, ClinGen allele CA6616853.
Genomic context (GRCh38, chr12:55,721,868, plus strand): 5'-ACCCTTGCCCTGCTGCCTCTGCTGCAGCAAGCCCGGGGCCGGGTGATCAACATCACCAGC[G>A]TCCTGGGTCGCCTGGCAGCCAATGGTGGGGGCTACTGTGTCTCCAAATTTGGCCTGGAGG-3'
Protein context (NP_002896.2, residues 154-174): ARGRVINITS[Val164Ile]LGRLAANGGG

ClinVar aggregate classification (germline): Uncertain significance (1 of 4 stars; one submission).

Allele frequency attached by ClinVar (database versions not stated): ExAC 0.00002; gnomAD 0.00002.
gnomAD v4.1: 29 of 1,613,826 alleles (0.0018%); highest among the groups gnomAD compares: Non-Finnish European, 0.0021%; no homozygotes.

Submission:

Labcorp Genetics (formerly Invitae), Labcorp
Classification: Uncertain significance. Last evaluated: 2022-02-02. Review status: criteria provided, single submitter. Criteria: Invitae Variant Classification Sherloc (09022015). Collection method: clinical testing. Allele origin: germline.
Comment: In summary, the available evidence is currently insufficient to determine the role of this variant in disease. Therefore, it has been classified as a Variant of Uncertain Significance. Algorithms developed to predict the effect of missense changes on protein structure and function output the following: SIFT: "Tolerated"; PolyPhen-2: "Benign"; Align-GVGD: "Class C0". The isoleucine amino acid residue is found in multiple mammalian species, which suggests that this missense change does not adversely affect protein function. This variant has not been reported in the literature in individuals affected with RDH5-related conditions. This variant is present in population databases (rs755168439, gnomAD 0.004%). This sequence change replaces valine, which is neutral and non-polar, with isoleucine, which is neutral and non-polar, at codon 164 of the RDH5 protein (p.Val164Ile).